The following is an entry in ClinVar:

NM_024407.5(NDUFS7):c.511G>A (p.Asp171Asn)

Gene: NDUFS7 (NADH:ubiquinone oxidoreductase core subunit S7; plus strand). Cytogenetic location: 19p13.3.
Variant type: single nucleotide variant.
Coding change: c.511G>A on transcript NM_024407.5 (MANE Select); coding-DNA position 511, G replaced by A.
Protein change: p.Asp171Asn; replaces aspartic acid 171 with asparagine.
Molecular consequence: missense variant.
Genome position (GRCh38, 1-based): chr19:1,393,297, G>A. VCF-style: chr19-1393297-G-A. GRCh37 (hg19) VCF-style: chr19-1393296-G-A.
Other names: c.511G>A, p.Asp171Asn (NM_001363602.2); short protein forms D171N.
Identifiers: ClinVar variation 3903221 (VCV003903221.1).
Genomic context (GRCh38, chr19:1,393,297, plus strand): 5'-AACAGCTGCGCCAACGGAGGAGGCTACTACCACTATTCCTACTCGGTGGTGAGGGGCTGC[G>A]ACCGCATCGTGCCCGTGGACATCTACATCCCAGGTAGGGCCGGGACCGCACCGCCCACGA-3'
Protein context (NP_077718.3, residues 161-181): HYSYSVVRGC[Asp171Asn]RIVPVDIYIP

ClinVar aggregate classification (germline): Uncertain significance (1 of 4 stars; one submission).

Submission:

GeneDx
Classification: Uncertain significance. Last evaluated: 2024-12-12. Review status: criteria provided, single submitter. Criteria: GeneDx Variant Classification Process June 2021. Collection method: clinical testing. Allele origin: germline. Affected: yes.
Comment: Not observed at significant frequency in large population cohorts (gnomAD); In silico analysis supports that this missense variant has a deleterious effect on protein structure/function; Has not been previously published as pathogenic or benign to our knowledge